The following is an entry in ClinVar:

ClinVar aggregate classification (germline): Uncertain significance (1 of 4 stars; one submission).

Allele frequency attached by ClinVar (database versions not stated): TOPMed below 0.00001.

Submission:

Labcorp Genetics (formerly Invitae), Labcorp
Classification: Uncertain significance. Last evaluated: 2025-12-03. Review status: criteria provided, single submitter. Criteria: Invitae Variant Classification Sherloc (09022015). Collection method: clinical testing. Allele origin: germline.
Comment: This sequence change replaces glutamine, which is neutral and polar, with glutamic acid, which is acidic and polar, at codon 342 of the TNFRSF11A protein (p.Gln342Glu). This variant is not present in population databases (gnomAD no frequency). This variant has not been reported in the literature in individuals affected with TNFRSF11A-related conditions. ClinVar contains an entry for this variant (Variation ID: 1478996). An algorithm developed to predict the effect of missense changes on protein structure and function (PolyPhen-2) suggests that this variant is likely to be tolerated. In summary, the available evidence is currently insufficient to determine the role of this variant in disease. Therefore, it has been classified as a Variant of Uncertain Significance.

NM_003839.4(TNFRSF11A):c.1024C>G (p.Gln342Glu)

Gene: TNFRSF11A (TNF receptor superfamily member 11a; plus strand). Cytogenetic location: 18q21.33.
Variant type: single nucleotide variant.
Coding change: c.1024C>G on transcript NM_003839.4 (MANE Select); coding-DNA position 1024, C replaced by G.
Protein change: p.Gln342Glu; replaces glutamine 342 with glutamic acid.
Molecular consequence: missense variant. On other transcripts: intron variant (3).
Genome position (GRCh38, 1-based): chr18:62,368,941, C>G. VCF-style: chr18-62368941-C-G. GRCh37 (hg19) VCF-style: chr18-60036174-C-G.
Other names: c.982C>G, p.Gln328Glu (NM_001278268.2); c.783+2181C>G (NM_001270949.2); c.730+7148C>G (NM_001270950.2); c.616+8892C>G (NM_001270951.2); short protein forms Q342E, Q328E.
Identifiers: ClinVar variation 1478996 (VCV001478996.8), dbSNP rs1910303245, ClinGen allele CA402616704.
Genomic context (GRCh38, chr18:62,368,941, plus strand): 5'-GAAGATGCCAGGATGCTCTCATTGGTCAGCAAGACCGAGATAGAGGAAGACAGCTTCAGA[C>G]AGATGCCCACAGAAGATGAATACATGGACAGGCCCTCCCAGCCCACAGACCAGTTACTGT-3'
Protein context (NP_003830.1, residues 332-352): KTEIEEDSFR[Gln342Glu]MPTEDEYMDR